The following is an entry in ClinVar:

NM_017866.6(TMEM70):c.445G>C (p.Gly149Arg)

Gene: TMEM70 (transmembrane protein 70; plus strand). Cytogenetic location: 8q21.11.
Variant type: single nucleotide variant.
Coding change: c.445G>C on transcript NM_017866.6 (MANE Select); coding-DNA position 445, G replaced by C.
Protein change: p.Gly149Arg; replaces glycine 149 with arginine.
Molecular consequence: missense variant. On other transcripts: 3 prime UTR variant (1), non-coding transcript variant (1).
Genome position (GRCh38, 1-based): chr8:73,981,283, G>C. VCF-style: chr8-73981283-G-C. GRCh37 (hg19) VCF-style: chr8-74893518-G-C.
Other names: c.*135G>C (NM_001040613.3); short protein forms G149R.
Identifiers: ClinVar variation 1809735 (VCV001809735.1), dbSNP rs2536395872, ClinGen allele CA371490007.
Genomic context (GRCh38, chr8:73,981,283, plus strand): 5'-AATAATGCTATTTCTGAAAGTGTGCCTCTGCCTATTCAAATCATATTCTATGGCATCATG[G>C]GAAGCTTTACGGTGATCACCCCAGTGCTGCTTCACTTTATTACAAAAGGCTATGTCATTC-3'
Protein context (NP_060336.3, residues 139-159): PIQIIFYGIM[Gly149Arg]SFTVITPVLL

ClinVar aggregate classification (germline): Uncertain significance (1 of 4 stars; one submission).

Submission:

Athena Diagnostics
Classification: Uncertain significance. Last evaluated: 2020-06-05. Review status: criteria provided, single submitter. Criteria: Athena Diagnostics Criteria. Collection method: clinical testing. Allele origin: unknown.
Comment: This observation is not an independent occurrence and has been identified in the same individual by RCIGM, the other laboratory participating in the GEMINI study.